The following is an entry in ClinVar:

NM_198253.3(TERT):c.2980C>T (p.Leu994Phe)

Gene: TERT (telomerase reverse transcriptase; minus strand). Cytogenetic location: 5p15.33.
Variant type: single nucleotide variant.
Coding change: c.2980C>T on transcript NM_198253.3 (MANE Select); coding-DNA position 2980, C replaced by T.
Protein change: p.Leu994Phe; replaces leucine 994 with phenylalanine.
Molecular consequence: missense variant. On other transcripts: non-coding transcript variant (2).
Genome position (GRCh38, 1-based): chr5:1,258,650, G>A on the plus strand (C>T on the coding strand, the complement: TERT is on the minus strand). VCF-style: chr5-1258650-G-A. GRCh37 (hg19) VCF-style: chr5-1258765-G-A.
Other names: c.2791C>T, p.Leu931Phe (NM_001193376.3); short protein forms L994F, L931F.
Identifiers: ClinVar variation 580043 (VCV000580043.10), dbSNP rs866369624, ClinGen allele CA359068957.
Genomic context (GRCh38, chr5:1,258,650, plus strand): 5'-CGGCTCACCTGTACGCCTGCAGCAGGAGGATCTTGTAGATGTTGGTGCACACCGTCTGGA[G>A]GCTGTTCACCTAGAGTCGCCAAGAAAGAGTGAGAAACGGTAGAAACCTCTCTGGGATTTT-3'
Protein context (NP_937983.2, residues 984-1004): SLFLDLQVNS[Leu994Phe]QTVCTNIYKI

ClinVar aggregate classification (germline): Uncertain significance. Review status: criteria provided, multiple submitters, no conflicts (2 of 4 stars). 2 submissions from 2 submitters: Uncertain significance (2). Last evaluated 2025-07-03.

Conditions:
Idiopathic Pulmonary Fibrosis. Also called: Idiopathic fibrosing alveolitis, chronic form; idiopathic fibrosing alveolitis. Identifiers: Orphanet 2032, MedGen C1800706, MeSH D054990, MONDO:0800504.
Dyskeratosis congenita, autosomal dominant 2. Identifiers: MedGen C3151443, MONDO:0013521, OMIM 613989.
Dyskeratosis congenita. Identifiers: Orphanet 1775, MedGen C0265965, MONDO:0015780.

Allele frequency attached by ClinVar (database versions not stated): TOPMed below 0.00001; gnomAD 0.00001; gnomAD exomes 0.00001.
gnomAD v4.1: 9 of 1,568,978 alleles (0.00057%); highest among the groups gnomAD compares: Non-Finnish European, 0.00069%; no homozygotes.

Submissions (2):

Ambry Genetics
Classification: Uncertain significance for Dyskeratosis congenita. Last evaluated: 2025-07-03. Review status: criteria provided, single submitter. Criteria: Ambry Variant Classification Scheme 2023. Collection method: clinical testing. Allele origin: germline.
Comment: The p.L994F variant (also known as c.2980C>T), located in coding exon 13 of the TERT gene, results from a C to T substitution at nucleotide position 2980. The leucine at codon 994 is replaced by phenylalanine, an amino acid with highly similar properties. This amino acid position is well conserved in available vertebrate species. In addition, this alteration is predicted to be tolerated by in silico analysis. Based on the available evidence, the clinical significance of this variant remains unclear.

Labcorp Genetics (formerly Invitae), Labcorp
Classification: Uncertain significance for Dyskeratosis congenita, autosomal dominant 2; Idiopathic Pulmonary Fibrosis. Last evaluated: 2023-10-06. Review status: criteria provided, single submitter. Criteria: Invitae Variant Classification Sherloc (09022015). Collection method: clinical testing. Allele origin: germline.
Comment: This sequence change replaces leucine, which is neutral and non-polar, with phenylalanine, which is neutral and non-polar, at codon 994 of the TERT protein (p.Leu994Phe). This variant is present in population databases (no rsID available, gnomAD 0.003%). This missense change has been observed in individual(s) with myelodysplastic syndrome (PMID: 34019641). ClinVar contains an entry for this variant (Variation ID: 580043). Advanced modeling of protein sequence and biophysical properties (such as structural, functional, and spatial information, amino acid conservation, physicochemical variation, residue mobility, and thermodynamic stability) performed at Invitae indicates that this missense variant is expected to disrupt TERT protein function. Experimental studies have shown that this missense change affects TERT function (PMID: 34019641). In summary, the available evidence is currently insufficient to determine the role of this variant in disease. Therefore, it has been classified as a Variant of Uncertain Significance.

Literature cited by the submitters: PubMed 34019641 (cited by Labcorp Genetics (formerly Invitae), Labcorp).